The following is an entry in ClinVar:

NM_025193.4(HSD3B7):c.323-1G>A

Gene: HSD3B7 (hydroxy-delta-5-steroid dehydrogenase, 3 beta- and steroid delta-isomerase 7; plus strand). Cytogenetic location: 16p11.2.
Variant type: single nucleotide variant.
Coding change: c.323-1G>A on transcript NM_025193.4 (MANE Select); the canonical splice acceptor site of the intron before coding-DNA position 323, G replaced by A.
Molecular consequence: splice acceptor variant.
Genome position (GRCh38, 1-based): chr16:30,986,422, G>A. VCF-style: chr16-30986422-G-A. GRCh37 (hg19) VCF-style: chr16-30997743-G-A.
Other names: c.323-1G>A (NM_025193.3, NM_001142777.2, NM_001142778.2).
Identifiers: ClinVar variation 3580268 (VCV003580268.3).
Genomic context (GRCh38, chr16:30,986,422, plus strand): 5'-GGAGGAGGAAGATGCAGAGAGGGAAGAAGCTGCAGCTTGGATACGCCTCCTCCTCTGCCA[G>A]GTACCCGGAACGTGATCGAGGCTTGTGTGCAGACCGGAACACGGTTCCTGGTCTACACCA-3'

ClinVar aggregate classification (germline): Likely pathogenic. Review status: criteria provided, multiple submitters, no conflicts (2 of 4 stars). 2 submissions from 2 submitters: Likely pathogenic (2). Last evaluated 2025-06-25.

Conditions:
Congenital bile acid synthesis defect 1 (CBAS1). Also called: 3-BETA-HYDROXY-DELTA-5-C27-STEROID OXIDOREDUCTASE DEFICIENCY. Identifiers: Orphanet 79301, MedGen C1843116, MONDO:0011906, OMIM 607765.
HSD3B7-related disorder. Also called: HSD3B7-related condition.

Submissions (2):

PreventionGenetics, part of Exact Sciences
Classification: Likely pathogenic for HSD3B7-related condition. Last evaluated: 2025-06-25. Review status: criteria provided, single submitter. Criteria: ACMG Guidelines, 2015. Collection method: clinical testing. Allele origin: germline.
Comment: The HSD3B7 c.323-1G>A variant is predicted to disrupt the AG splice acceptor site and interfere with normal splicing. To our knowledge, this variant has not been reported in the literature or in a large population database (gnomAD), indicating this variant is rare. Variants that disrupt the consensus splice acceptor site in HSD3B7 are expected to be pathogenic. This variant is interpreted as likely pathogenic.

Fulgent Genetics
Classification: Likely pathogenic for Congenital bile acid synthesis defect 1. Last evaluated: 2024-03-23. Review status: criteria provided, single submitter. Criteria: ACMG Guidelines, 2015. Collection method: clinical testing. Allele origin: germline.